The following is an entry in ClinVar:

NM_001395413.1(POR):c.1418C>T (p.Ala473Val)

Gene: POR (cytochrome p450 oxidoreductase; plus strand). Cytogenetic location: 7q11.23.
Variant type: single nucleotide variant.
Coding change: c.1418C>T on transcript NM_001395413.1 (MANE Select); coding-DNA position 1418, C replaced by T.
Protein change: p.Ala473Val; replaces alanine 473 with valine.
Molecular consequence: missense variant.
Genome position (GRCh38, 1-based): chr7:75,985,607, C>T. VCF-style: chr7-75985607-C-T. GRCh37 (hg19) VCF-style: chr7-75614925-C-T.
Other names: c.1418C>T, p.Ala473Val (NM_001367562.3, NM_001382657.2, NM_001382658.3 and 1 more transcripts); c.1472C>T, p.Ala491Val (NM_001382655.3); c.1268C>T, p.Ala423Val (NM_001382662.3); short protein forms A423V, A473V, A491V.
Identifiers: ClinVar variation 1480159 (VCV001480159.5), dbSNP rs782156085, ClinGen allele CA4304137.

ClinVar aggregate classification (germline): Uncertain significance. Review status: criteria provided, multiple submitters, no conflicts (2 of 4 stars). 2 submissions from 2 submitters: Uncertain significance (2). Last evaluated 2024-11-11.

Conditions:
Congenital adrenal hyperplasia due to cytochrome P450 oxidoreductase deficiency. Also called: DISORDERED STEROIDOGENESIS DUE TO POR DEFICIENCY. Identifiers: Orphanet 95699, MedGen C1860042, MONDO:0013310, OMIM 613571.

Allele frequency attached by ClinVar (database versions not stated): gnomAD 0.00004 and 0.00005; gnomAD exomes 0.00004; ExAC 0.00005; TOPMed 0.00008.
gnomAD v4.1: 63 of 1,578,188 alleles (0.004%); highest among the groups gnomAD compares: Middle Eastern, 0.034%; no homozygotes.

Submissions (2):

Labcorp Genetics (formerly Invitae), Labcorp
Classification: Uncertain significance for Congenital adrenal hyperplasia due to cytochrome P450 oxidoreductase deficiency. Last evaluated: 2024-11-11. Review status: criteria provided, single submitter. Criteria: Invitae Variant Classification Sherloc (09022015). Collection method: clinical testing. Allele origin: germline.
Comment: This sequence change replaces alanine, which is neutral and non-polar, with valine, which is neutral and non-polar, at codon 476 of the POR protein (p.Ala476Val). The frequency data for this variant in the population databases is considered unreliable, as metrics indicate poor data quality at this position in the gnomAD database. This variant has not been reported in the literature in individuals affected with POR-related conditions. ClinVar contains an entry for this variant (Variation ID: 1480159). Invitae Evidence Modeling of protein sequence and biophysical properties (such as structural, functional, and spatial information, amino acid conservation, physicochemical variation, residue mobility, and thermodynamic stability) indicates that this missense variant is not expected to disrupt POR protein function with a negative predictive value of 80%. In summary, the available evidence is currently insufficient to determine the role of this variant in disease. Therefore, it has been classified as a Variant of Uncertain Significance.

Breakthrough Genomics
Classification: Uncertain significance. Review status: criteria provided, single submitter. Criteria: ACMG Guidelines, 2015. Collection method: not provided. Allele origin: germline. Inheritance: Autosomal recessive inheritance. Affected: yes.